The following is an entry in ClinVar:

NM_052872.4(IL17F):c.*136A>G

Gene: IL17F (interleukin 17F; minus strand). Cytogenetic location: 6p12.2.
Variant type: single nucleotide variant.
Coding change: c.*136A>G on transcript NM_052872.4 (MANE Select); 136 bases downstream of the stop codon, A replaced by G.
Molecular consequence: 3 prime UTR variant.
Genome position (GRCh38, 1-based): chr6:52,236,795, T>C on the plus strand (A>G on the coding strand, the complement: IL17F is on the minus strand). VCF-style: chr6-52236795-T-C. GRCh37 (hg19) VCF-style: chr6-52101593-T-C.
Identifiers: ClinVar variation 357464 (VCV000357464.5), dbSNP rs11465554, ClinGen allele CA10624404.

ClinVar aggregate classification (germline): Benign (1 of 4 stars; one submission).

Conditions:
Candidiasis, familial, 6 (CANDF6). Also called: Candidiasis, familial, 6, autosomal dominant. Identifiers: Orphanet 1334, MedGen C3151405, MONDO:0013503, OMIM 613956.

Allele frequency attached by ClinVar (database versions not stated): gnomAD exomes 0.00199; 1000 Genomes Project 0.01258; 1000 Genomes Project 30x 0.01343; gnomAD 0.01411 and 0.01518; TOPMed 0.01651.
gnomAD v4.1: 3,437 of 771,892 alleles (0.45%); highest among the groups gnomAD compares: African/African-American, 4.7%; 64 homozygotes.

Submission:

Illumina Laboratory Services, Illumina
Classification: Benign for Candidiasis, familial, 6. Last evaluated: 2018-01-12. Review status: criteria provided, single submitter. Criteria: ICSL Variant Classification Criteria 13 December 2019. Collection method: clinical testing. Allele origin: germline.
Comment: This variant was observed in the ICSL laboratory as part of a predisposition screen in an ostensibly healthy population. It had not been previously curated by ICSL or reported in the Human Gene Mutation Database (HGMD: prior to June 1st, 2018), and was therefore a candidate for classification through an automated scoring system. Utilizing variant allele frequency, disease prevalence and penetrance estimates, and inheritance mode, an automated score was calculated to assess if this variant is too frequent to cause the disease. Based on the score and internal cut-off values, a variant classified as benign is not then subjected to further curation. The score for this variant resulted in a classification of benign for this disease.